The following is an entry in ClinVar:

ClinVar aggregate classification (germline): Uncertain significance (1 of 4 stars; one submission).

Conditions:
Aniridia 1 (AN1). Identifiers: Orphanet 250923, MedGen C0344542, MONDO:0024507, OMIM 106210.
Irido-corneo-trabecular dysgenesis (ASGD5). Also called: ANTERIOR SEGMENT DYSGENESIS 5. Identifiers: Orphanet 708, MedGen C0344559, MONDO:0011414, OMIM 604229, HP:0000659.

Submission:

Labcorp Genetics (formerly Invitae), Labcorp
Classification: Uncertain significance for Aniridia 1; Irido-corneo-trabecular dysgenesis. Last evaluated: 2022-06-15. Review status: criteria provided, single submitter. Criteria: Invitae Variant Classification Sherloc (09022015). Collection method: clinical testing. Allele origin: germline.
Comment: This variant has not been reported in the literature in individuals affected with PAX6-related conditions. In summary, the available evidence is currently insufficient to determine the role of this variant in disease. Therefore, it has been classified as a Variant of Uncertain Significance. Algorithms developed to predict the effect of missense changes on protein structure and function are either unavailable or do not agree on the potential impact of this missense change (SIFT: "Deleterious"; PolyPhen-2: "Benign"; Align-GVGD: "Class C0"). This variant is not present in population databases (gnomAD no frequency). This sequence change replaces glutamine, which is neutral and polar, with histidine, which is basic and polar, at codon 27 of the PAX6 protein (p.Gln27His).

NM_001368894.2(PAX6):c.81G>C (p.Gln27His)

Gene: PAX6 (paired box 6; minus strand). Cytogenetic location: 11p13.
Variant type: single nucleotide variant.
Coding change: c.81G>C on transcript NM_001368894.2 (MANE Select); coding-DNA position 81, G replaced by C.
Protein change: p.Gln27His; replaces glutamine 27 with histidine.
Molecular consequence: missense variant. On other transcripts: 5 prime UTR variant (12), non-coding transcript variant (2), intron variant (2).
Genome position (GRCh38, 1-based): chr11:31,802,764, C>G on the plus strand (G>C on the coding strand, the complement: PAX6 is on the minus strand). VCF-style: chr11-31802764-C-G. GRCh37 (hg19) VCF-style: chr11-31824312-C-G.
Other names: c.81G>C, p.Gln27His (NM_000280.6, NM_001127612.3, NM_001258462.3 and 30 more transcripts); c.-701G>C (NM_001310160.2, NM_001368905.2); c.-370G>C (NM_001310161.3, NM_001368900.2, NM_001368903.2 and 2 more transcripts); c.-328G>C (NM_001368899.2, NM_001368901.2, NM_001368906.2 and 1 more transcripts); c.-659G>C (NM_001368902.2); c.324G>C, p.Gln108His (NM_001368910.2); c.84G>C, p.Gln28His (NM_001368911.2); c.-267-988G>C (NM_001368909.2, NM_001368904.2); short protein forms Q108H, Q28H, Q27H.
Identifiers: ClinVar variation 2004043 (VCV002004043.4), dbSNP rs1954524676, ClinGen allele CA379959588.